The following is an entry in ClinVar:

ClinVar aggregate classification (germline): Uncertain significance. Review status: criteria provided, multiple submitters, no conflicts (2 of 4 stars). 2 submissions from 2 submitters: Uncertain significance (2). Last evaluated 2023-03-26.

Conditions:
Hereditary cancer-predisposing syndrome. Also called: Hereditary Cancer Syndrome; Hereditary neoplastic syndrome; Neoplastic Syndromes, Hereditary; Tumor predisposition. Identifiers: Orphanet 140162, MedGen C0027672, MeSH D009386, MONDO:0015356.
Familial cancer of breast. Also called: Hereditary breast cancer; BREAST CANCER, FAMILIAL; hereditary breast carcinoma. Identifiers: Orphanet 227535, MedGen C0346153, MONDO:0016419, OMIM 114480. Disease mechanism: loss of function.

Submissions (2):

Labcorp Genetics (formerly Invitae), Labcorp
Classification: Uncertain significance for Familial cancer of breast. Last evaluated: 2023-03-26. Review status: criteria provided, single submitter. Criteria: Invitae Variant Classification Sherloc (09022015). Collection method: clinical testing. Allele origin: germline.
Comment: This variant has not been reported in the literature in individuals affected with CHEK2-related conditions. In summary, the available evidence is currently insufficient to determine the role of this variant in disease. Therefore, it has been classified as a Variant of Uncertain Significance. Algorithms developed to predict the effect of missense changes on protein structure and function output the following: SIFT: "Not Available"; PolyPhen-2: "Benign"; Align-GVGD: "Not Available". The leucine amino acid residue is found in multiple mammalian species, which suggests that this missense change does not adversely affect protein function. ClinVar contains an entry for this variant (Variation ID: 1740964). This variant is not present in population databases (gnomAD no frequency). This sequence change replaces valine, which is neutral and non-polar, with leucine, which is neutral and non-polar, at codon 150 of the CHEK2 protein (p.Val150Leu).

Ambry Genetics
Classification: Uncertain significance for Hereditary cancer-predisposing syndrome. Last evaluated: 2017-10-13. Review status: criteria provided, single submitter. Criteria: Ambry Variant Classification Scheme 2023. Collection method: clinical testing. Allele origin: germline.
Comment: The p.V150L variant (also known as c.448G>T), located in coding exon 3 of the CHEK2 gene, results from a G to T substitution at nucleotide position 448. The valine at codon 150 is replaced by leucine, an amino acid with highly similar properties. This amino acid position is poorly conserved in available vertebrate species. In addition, this alteration is predicted to be tolerated by in silico analysis. Since supporting evidence is limited at this time, the clinical significance of this alteration remains unclear.

NM_007194.4(CHEK2):c.448G>T (p.Val150Leu)

Gene: CHEK2 (checkpoint kinase 2; minus strand). Cytogenetic location: 22q12.1.
Variant type: single nucleotide variant.
Coding change: c.448G>T on transcript NM_007194.4 (MANE Select); coding-DNA position 448, G replaced by T.
Protein change: p.Val150Leu; replaces valine 150 with leucine.
Molecular consequence: missense variant. On other transcripts: 5 prime UTR variant (2), intron variant (1).
Genome position (GRCh38, 1-based): chr22:28,725,121, C>A on the plus strand (G>T on the coding strand, the complement: CHEK2 is on the minus strand). VCF-style: chr22-28725121-C-A. GRCh37 (hg19) VCF-style: chr22-29121109-C-A.
Other names: c.577G>T, p.Val193Leu (NM_001005735.3, NM_001438294.1); c.-330G>T (NM_001257387.3); c.-216G>T (NM_001437942.1); c.541G>T, p.Val181Leu (NM_001438293.1, NM_001438295.1); c.448G>T, p.Val150Leu (NM_145862.3); c.444+122G>T (NM_001349956.3); short protein forms V150L, V193L, V181L.
Identifiers: ClinVar variation 1740964 (VCV001740964.5), dbSNP rs2518055103, ClinGen allele CA411107761.